The following is an entry in ClinVar:

NM_001080476.3(GRXCR1):c.248T>C (p.Leu83Ser)

Gene: GRXCR1 (glutaredoxin and cysteine rich domain containing 1; plus strand). Cytogenetic location: 4p13.
Variant type: single nucleotide variant.
Coding change: c.248T>C on transcript NM_001080476.3 (MANE Select); coding-DNA position 248, T replaced by C.
Protein change: p.Leu83Ser; replaces leucine 83 with serine.
Molecular consequence: missense variant.
Genome position (GRCh38, 1-based): chr4:42,893,514, T>C. VCF-style: chr4-42893514-T-C. GRCh37 (hg19) VCF-style: chr4-42895531-T-C.
Other names: short protein forms L83S.
Identifiers: ClinVar variation 3777307 (VCV003777307.1).

ClinVar aggregate classification (germline): Uncertain significance (1 of 4 stars; one submission).

gnomAD v4.1: 2 of 1,613,808 alleles (0.00012%); highest among the groups gnomAD compares: Admixed American, 0.0017%; no homozygotes.

Submission:

GeneDx
Classification: Uncertain significance. Last evaluated: 2024-10-10. Review status: criteria provided, single submitter. Criteria: GeneDx Variant Classification Process June 2021. Collection method: clinical testing. Allele origin: germline. Affected: yes.
Comment: Not observed at significant frequency in large population cohorts (gnomAD); In silico analysis indicates that this missense variant does not alter protein structure/function; Has not been previously published as pathogenic or benign to our knowledge